The following is an entry in ClinVar:

ClinVar aggregate classification (germline): Pathogenic (1 of 4 stars; one submission).

Submissions (2):

Labcorp Genetics (formerly Invitae), Labcorp
Classification: Pathogenic. Last evaluated: 2019-10-05. Review status: criteria provided, single submitter. Criteria: Invitae Variant Classification Sherloc (09022015). Collection method: clinical testing. Allele origin: germline.
Comment: This sequence change affects a donor splice site in intron 6 of the CHM gene. It is expected to disrupt RNA splicing and likely results in an absent or disrupted protein product. This variant is not present in population databases (ExAC no frequency). Disruption of this splice site has been observed to segregate with choroideremia in a family (PMID: 24672218). Experimental studies have shown that disruption of this splice site affects mRNA splicing (PMID: 24672218). Donor and acceptor splice site variants typically lead to a loss of protein function (PMID: 16199547), and loss-of-function variants in CHM are known to be pathogenic (PMID: 9067750, 23811034). For these reasons, this variant has been classified as Pathogenic.

Dr. Peter K. Rogan Lab, Western University
No classification provided (evidence only). Condition: Nonpapillary renal cell carcinoma. Review status: no classification provided. Collection method: in vitro. Allele origin: not applicable. Functional consequence: retained intron. Not counted in ClinVar's aggregate classification.

Literature cited by the submitters: PubMed 24672218 (cited by Labcorp Genetics (formerly Invitae), Labcorp); PubMed 16199547 (cited by Labcorp Genetics (formerly Invitae), Labcorp); PubMed 9067750 (cited by Labcorp Genetics (formerly Invitae), Labcorp); PubMed 23811034 (cited by Labcorp Genetics (formerly Invitae), Labcorp).

NM_000390.4(CHM):c.819+2T>G

Gene: CHM (CHM Rab escort protein; minus strand). Cytogenetic location: Xq21.2.
Variant type: single nucleotide variant.
Coding change: c.819+2T>G on transcript NM_000390.4 (MANE Select); the canonical splice donor site of the intron after coding-DNA position 819, T replaced by G.
Molecular consequence: splice donor variant.
Genome position (GRCh38, 1-based): chrX:85,958,859, A>C on the plus strand (T>G on the coding strand, the complement: CHM is on the minus strand). VCF-style: chrX-85958859-A-C. GRCh37 (hg19) VCF-style: chrX-85213864-A-C.
Other names: c.375+2T>G (NM_001362519.1, NM_001362517.1, NM_001320959.1 and 1 more transcripts).
Identifiers: ClinVar variation 933357 (VCV000933357.9), dbSNP rs1930141997, ClinGen allele CA413785937.